The following is an entry in ClinVar:

NM_173354.5(SIK1):c.1799T>A (p.Leu600Gln)

Gene: SIK1 (salt inducible kinase 1; minus strand). Cytogenetic location: 21q22.3.
Variant type: single nucleotide variant.
Coding change: c.1799T>A on transcript NM_173354.5 (MANE Select); coding-DNA position 1799, T replaced by A.
Protein change: p.Leu600Gln; replaces leucine 600 with glutamine.
Molecular consequence: missense variant.
Genome position (GRCh38, 1-based): chr21:43,417,720, A>T on the plus strand (T>A on the coding strand, the complement: SIK1 is on the minus strand). VCF-style: chr21-43417720-A-T. GRCh37 (hg19) VCF-style: chr21-44837600-A-T.
Other names: c.1799T>A (NM_173354.3); short protein forms L600Q.
Identifiers: ClinVar variation 2115657 (VCV002115657.5), dbSNP rs2516964713, ClinGen allele CA410607273.

ClinVar aggregate classification (germline): Uncertain significance. Review status: criteria provided, multiple submitters, no conflicts (2 of 4 stars). 2 submissions from 2 submitters: Uncertain significance (2). Last evaluated 2025-02-02.

Conditions:
Inborn genetic diseases. Identifiers: MedGen C0950123, MeSH D030342.
Developmental and epileptic encephalopathy, 30 (DEE30). Also called: Epileptic encephalopathy, early infantile, 30. Identifiers: MedGen C4225360, MONDO:0014595, OMIM 616341.

Submissions (2):

Ambry Genetics
Classification: Uncertain significance for Inborn genetic diseases. Last evaluated: 2025-02-02. Review status: criteria provided, single submitter. Criteria: Ambry Variant Classification Scheme 2023. Collection method: clinical testing. Allele origin: germline.

Labcorp Genetics (formerly Invitae), Labcorp
Classification: Uncertain significance for Developmental and epileptic encephalopathy, 30. Last evaluated: 2022-07-09. Review status: criteria provided, single submitter. Criteria: Invitae Variant Classification Sherloc (09022015). Collection method: clinical testing. Allele origin: germline.
Comment: This variant is not present in population databases (gnomAD no frequency). This sequence change replaces leucine, which is neutral and non-polar, with glutamine, which is neutral and polar, at codon 600 of the SIK1 protein (p.Leu600Gln). This variant has not been reported in the literature in individuals affected with SIK1-related conditions. In summary, the available evidence is currently insufficient to determine the role of this variant in disease. Therefore, it has been classified as a Variant of Uncertain Significance. Advanced modeling of protein sequence and biophysical properties (such as structural, functional, and spatial information, amino acid conservation, physicochemical variation, residue mobility, and thermodynamic stability) performed at Invitae indicates that this missense variant is not expected to disrupt SIK1 protein function.